The following is an entry in ClinVar:

ClinVar aggregate classification (germline): Pathogenic (1 of 4 stars; one submission).

Conditions:
Usher syndrome type 2A. Also called: USHER SYNDROME, TYPE IIA; RETINAL DISEASE IN USHER SYNDROME TYPE IIA, MODIFIER OF. Identifiers: Orphanet 231178, Orphanet 886, MedGen C1848634, MONDO:0010169, OMIM 276901.

gnomAD v4.1: 1 of 1,613,998 alleles (0.000062%); no homozygotes.

Submission:

SingHealth Duke-NUS Institute of Precision Medicine
Classification: Pathogenic for Usher syndrome type 2A. Last evaluated: 2025-02-05. Review status: criteria provided, single submitter. Criteria: PRISM ACMG Classification Criteria. Collection method: clinical testing. Allele origin: germline. Affected: yes.
Comment: Variant is not found in gnomAD genomes and homozygous allele count in gnomAD exomes is less than 0 (PM2). 88.8% of missense variants in USH2A are pathogenic (PP2). SpliceAI donor loss score is 0.88 (PP3_str)

NM_206933.4(USH2A):c.14133G>T (p.Gln4711His)

Gene: USH2A (usherin; minus strand). Cytogenetic location: 1q41.
Variant type: single nucleotide variant.
Coding change: c.14133G>T on transcript NM_206933.4 (MANE Select); coding-DNA position 14133, G replaced by T.
Protein change: p.Gln4711His; replaces glutamine 4711 with histidine.
Molecular consequence: missense variant.
Genome position (GRCh38, 1-based): chr1:215,670,972, C>A on the plus strand (G>T on the coding strand, the complement: USH2A is on the minus strand). VCF-style: chr1-215670972-C-A. GRCh37 (hg19) VCF-style: chr1-215844314-C-A.
Other names: short protein forms Q4711H.
Identifiers: ClinVar variation 3767355 (VCV003767355.1).
Genomic context (GRCh38, chr1:215,670,972, plus strand): 5'-AGGCAGGTGCTGACGGGTGCAAACAATCAGCTCGAATTGTTTATAATACACATTTCTTAC[C>A]TGATACTCATACTCTGTGAAAGGCAATAGTTCGGAATCTATAAAAGATGTTGAGCTTCCG-3'
Protein context (NP_996816.3, residues 4701-4721): ELLPFTEYEY[Gln4711His]VWAVNSAGKA